The following is an entry in ClinVar:

NM_004333.6(BRAF):c.2136C>T (p.Ala712=)

Gene: BRAF (B-Raf proto-oncogene, serine/threonine kinase; minus strand). Cytogenetic location: 7q34.
Variant type: single nucleotide variant.
Coding change: c.2136C>T on transcript NM_004333.6 (MANE Select); coding-DNA position 2136, C replaced by T.
Protein change: p.Ala712=; no amino-acid change (alanine 712 retained).
Molecular consequence: synonymous variant. On other transcripts: intron variant (2).
Genome position (GRCh38, 1-based): chr7:140,734,762, G>A on the plus strand (C>T on the coding strand, the complement: BRAF is on the minus strand). VCF-style: chr7-140734762-G-A. GRCh37 (hg19) VCF-style: chr7-140434562-G-A.
Other names: c.2025C>T, p.Ala675= (NM_001378471.1); c.1980C>T, p.Ala660= (NM_001378472.1, NM_001378473.1); c.1872C>T, p.Ala624= (NM_001378475.1); c.2127+5050C>T (NM_001378474.1, NM_001378468.1); c.2136C>T, p.Ala712= (NM_001354609.2); c.2256C>T, p.Ala752= (NM_001374244.1, NM_001374258.1); c.2145C>T, p.Ala715= (NM_001378467.1); c.2070C>T, p.Ala690= (NM_001378469.1); and 1 more.
Identifiers: ClinVar variation 44823 (VCV000044823.17), dbSNP rs377165711, ClinGen allele CA135116.

ClinVar aggregate classification (germline): Benign/Likely benign. Review status: criteria provided, multiple submitters, no conflicts (2 of 4 stars). 6 submissions from 6 submitters: Benign (1); Likely benign (5). Last evaluated 2025-12-22.

Conditions:
Cardiovascular phenotype. Identifiers: MedGen CN230736.
Noonan syndrome 1 (NS1). Also called: FEMALE PSEUDO-TURNER SYNDROME; TURNER PHENOTYPE WITH NORMAL KARYOTYPE; PTPN11-Related Noonan Syndrome. Identifiers: Orphanet 648, MedGen C4551602, MONDO:0008104, OMIM 163950. Disease mechanism: gain of function.
Colorectal cancer. Also called: Colorectal cancer, somatic; Malignant Colorectal Neoplasm. Identifiers: MedGen C0346629, MONDO:0005575, OMIM 114500.
Cardiofaciocutaneous syndrome 1 (CFC1). Also called: BRAF-Related Cardiofaciocutaneous Syndrome. Identifiers: Orphanet 1340, MedGen CN029449, MONDO:0007265, OMIM 115150. Disease mechanism: gain of function.
LEOPARD syndrome 3 (LPRD3). Identifiers: Orphanet 500, MedGen C3150971, MONDO:0013380, OMIM 613707.
Noonan syndrome 7 (NS7). Also called: BRAF-Related Noonan Syndrome. Identifiers: Orphanet 648, MedGen C3150970, MONDO:0013379, OMIM 613706.
Melanoma, cutaneous malignant, susceptibility to, 1 (CMM1). Also called: MELANOMA, MALIGNANT; B-K MOLE SYNDROME; DYSPLASTIC NEVUS SYNDROME, HEREDITARY; FAMILIAL ATYPICAL MOLE-MALIGNANT MELANOMA SYNDROME. Identifiers: Orphanet 618, MedGen C1835047, MONDO:0007963, OMIM 155600.
Lung cancer. Also called: Lung cancer, somatic; Malignant tumor of lung. Identifiers: MedGen C0242379, MONDO:0008903, OMIM 211980.
RASopathy. Also called: rasopathies; Noonan spectrum disorder. Identifiers: Orphanet 536391, MedGen C5555857, MONDO:0021060.

Allele frequency attached by ClinVar (database versions not stated): gnomAD 0.00002 and 0.00003; ExAC 0.00006; gnomAD exomes 0.00006 and 0.00009; ESP Exome Variant Server 0.00008.
gnomAD v4.1: 111 of 1,429,086 alleles (0.0078%); highest among the groups gnomAD compares: Non-Finnish European, 0.01%; no homozygotes.

Submissions (6):

Labcorp Genetics (formerly Invitae), Labcorp
Classification: Likely benign for RASopathy. Last evaluated: 2025-12-22. Review status: criteria provided, single submitter. Criteria: Invitae Variant Classification Sherloc (09022015). Collection method: clinical testing. Allele origin: germline.

Ambry Genetics
Classification: Likely benign for Cardiovascular phenotype. Last evaluated: 2022-07-19. Review status: criteria provided, single submitter. Criteria: Ambry Variant Classification Scheme 2023. Collection method: clinical testing. Allele origin: germline.

Fulgent Genetics
Classification: Likely benign for Colorectal cancer; Cardiofaciocutaneous syndrome 1; Melanoma, cutaneous malignant, susceptibility to, 1; Noonan syndrome 1; Lung cancer; Noonan syndrome 7; LEOPARD syndrome 3. Last evaluated: 2021-09-23. Review status: criteria provided, single submitter. Criteria: ACMG Guidelines, 2015. Collection method: clinical testing. Allele origin: unknown.

Blueprint Genetics
Classification: Likely benign. Last evaluated: 2021-07-19. Review status: criteria provided, single submitter. Criteria: ACMG Guidelines, 2015. Collection method: clinical testing. Allele origin: germline.

Women's Health and Genetics/Laboratory Corporation of America, LabCorp
Classification: Benign. Last evaluated: 2016-12-12. Review status: criteria provided, single submitter. Criteria: LabCorp Variant Classification Summary - May 2015. Collection method: clinical testing. Allele origin: germline.
Comment: Variant summary: The BRAF c.2136C>T (p.Ala712Ala) variant involves the alteration of a conserved nucleotide, resulting in a synonymous change. One in silico tool predicts a damaging outcome for this variant. 5/5 splice prediction tools predict no significant impact on normal splicing. However, these predictions have yet to be confirmed by functional studies. This variant was found in 7/120766 control chromosomes, predominantly observed in the European (Non-Finnish) subpopulation at a frequency of 0.0001054 (7/66430). This frequency is about 42 times the estimated maximal expected allele frequency of a pathogenic BRAF variant (0.0000025), suggesting this is likely a benign polymorphism found primarily in the populations of European (Non-Finnish) origin. In addition, one clinical diagnostic laboratory/reputable database classified this variant as likely benign. The variant of interest has not, to our knowledge, been reported in affected individuals via publications nor evaluated for functional impact by in vivo/vitro studies. Taken together, this variant is classified as benign.

Laboratory for Molecular Medicine, Mass General Brigham Personalized Medicine
Classification: Likely benign. Last evaluated: 2012-04-06. Review status: criteria provided, single submitter. Criteria: LMM Criteria. Collection method: clinical testing. Allele origin: germline. Observed: 1 variant allele.
Comment: p.Ala712Ala in Exon 18 of BRAF: This variant is not expected to have clinical si gnificance because it does not alter an amino acid residue, is not located withi n the splice consensus sequence. It has been identified in 1/7020 European Ameri can chromosomes from a broad population by the NHLBI Exome Sequencing Project.